The following is an entry in ClinVar:

NM_004614.5(TK2):c.497A>T (p.Asp166Val)

Gene: TK2 (thymidine kinase 2; minus strand). Cytogenetic location: 16q21.
Variant type: single nucleotide variant.
Coding change: c.497A>T on transcript NM_004614.5 (MANE Select); coding-DNA position 497, A replaced by T.
Protein change: p.Asp166Val; replaces aspartic acid 166 with valine.
Molecular consequence: missense variant. On other transcripts: non-coding transcript variant (1), intron variant (1).
Genome position (GRCh38, 1-based): chr16:66,517,830, T>A on the plus strand (A>T on the coding strand, the complement: TK2 is on the minus strand). VCF-style: chr16-66517830-T-A. GRCh37 (hg19) VCF-style: chr16-66551733-T-A.
Other names: c.404A>T, p.Asp135Val (NM_001172643.1); c.422A>T, p.Asp141Val (NM_001172644.2); c.443A>T, p.Asp148Val (NM_001172645.2); c.350A>T, p.Asp117Val (NM_001271934.2); c.206A>T, p.Asp69Val (NM_001272050.2); c.357-4019A>T (NM_001271935.1); short protein forms D166V, D135V, D117V, D141V, D69V, D148V.
Identifiers: ClinVar variation 450835 (VCV000450835.8), dbSNP rs921593414, ClinGen allele CA282177615.

ClinVar aggregate classification (germline): Conflicting classifications of pathogenicity. Review status: criteria provided, conflicting classifications (1 of 4 stars). 4 submissions from 4 submitters: Pathogenic (1); Likely pathogenic (2); Uncertain significance (1). Last evaluated 2025-11-24.

Conditions:
Mitochondrial disease. Also called: Mitochondrial disorder; Mitochondrial disorders. Identifiers: Orphanet 68380, MedGen C0751651, MeSH D028361, MONDO:0044970.
Mitochondrial DNA depletion syndrome, myopathic form (MTDPS2). Also called: MITOCHONDRIAL DNA DEPLETION SYNDROME 2 (MYOPATHIC TYPE); MITOCHONDRIAL DNA DEPLETION MYOPATHY, TK2-RELATED; TK2-Related Mitochondrial DNA Maintenance Defect, Myopathic Form. Identifiers: Orphanet 254875, MedGen C3149750, MONDO:0012301, OMIM 609560.

Allele frequency attached by ClinVar (database versions not stated): TOPMed below 0.00001; gnomAD 0.00001; gnomAD exomes 0.00001.
gnomAD v4.1: 5 of 1,613,956 alleles (0.00031%); highest among the groups gnomAD compares: African/African-American, 0.0053%; no homozygotes.

Submissions (4):

Genomenon, Inc
Classification: Pathogenic for Mitochondrial disease. Last evaluated: 2025-11-24. Review status: criteria provided, single submitter. Criteria: Genomenon Sequence Variant Interpretation Standards - Updated. Collection method: curation. Allele origin: germline. Affected: yes.
Comment: TK2 p.Asp166Val (c.497A>T) is a missense variant that changes the amino acid at residue 166 from Aspartic acid to Valine. This variant has been observed in probands affected with mitochondrial disease in the compound heterozygous state, with a pathogenic or likely pathogenic variant confirmed in trans in at least one proband (33013660). This variant is not present at a significant frequency in gnomAD and in silico models agree that this variant is possibly or probably damaging. In conclusion, we classify TK2 p.Asp166Val (c.497A>T) as a likely pathogenic variant.

Labcorp Genetics (formerly Invitae), Labcorp
Classification: Likely pathogenic. Last evaluated: 2023-04-09. Review status: criteria provided, single submitter. Criteria: Invitae Variant Classification Sherloc (09022015). Collection method: clinical testing. Allele origin: germline.
Comment: This missense change has been observed in individual(s) with TK2-related conditions (PMID: 33013660). In at least one individual the data is consistent with being in trans (on the opposite chromosome) from a pathogenic variant. In summary, the currently available evidence indicates that the variant is pathogenic, but additional data are needed to prove that conclusively. Therefore, this variant has been classified as Likely Pathogenic. Advanced modeling of protein sequence and biophysical properties (such as structural, functional, and spatial information, amino acid conservation, physicochemical variation, residue mobility, and thermodynamic stability) has been performed at Invitae for this missense variant, however the output from this modeling did not meet the statistical confidence thresholds required to predict the impact of this variant on TK2 protein function. ClinVar contains an entry for this variant (Variation ID: 450835). This variant is present in population databases (no rsID available, gnomAD 0.008%). This sequence change replaces aspartic acid, which is acidic and polar, with valine, which is neutral and non-polar, at codon 166 of the TK2 protein (p.Asp166Val).

The Molecular Genetic and Pathologic Diagnosis Center of Neuromuscular Disorder, Children's Hospital of Fudan University
Classification: Likely pathogenic for mitochondrial DNA depletion syndrome 2 (myopathic type). Last evaluated: 2019-12-01. Review status: criteria provided, single submitter. Criteria: ACMG Guidelines, 2015. Collection method: clinical testing. Allele origin: germline. Affected: yes.

GeneDx
Classification: Uncertain significance. Last evaluated: 2017-07-27. Review status: criteria provided, single submitter. Criteria: GeneDx Variant Classification (06012015). Collection method: clinical testing. Allele origin: germline. Affected: yes.
Comment: The D166V variant in the TK2 gene has not been reported previously as a pathogenic variant, nor as a benign variant, to our knowledge. The D166V variant is not observed in large population cohorts (Lek et al., 2016; 1000 Genomes Consortium et al., 2015; Exome Variant Server). The D166V variant is a non-conservative amino acid substitution, which is likely to impact secondary protein structure as these residues differ in polarity, charge, size and/or other properties. This substitution occurs at a position that is not conserved. In silico analysis predicts this variant is probably damaging to the protein structure/function. We interpret D166V as a variant of uncertain significance.

Literature cited by the submitters: PubMed 33013660 (cited by Genomenon, Inc and Labcorp Genetics (formerly Invitae), Labcorp).